The following is an entry in ClinVar:

ClinVar aggregate classification (germline): Uncertain significance (1 of 4 stars; one submission).

Conditions:
Breast-ovarian cancer, familial, susceptibility to, 4. Identifiers: Orphanet 145, MedGen C3280345, MONDO:0013669, OMIM 614291.

Submission:

Labcorp Genetics (formerly Invitae), Labcorp
Classification: Uncertain significance for Breast-ovarian cancer, familial, susceptibility to, 4. Last evaluated: 2022-07-05. Review status: criteria provided, single submitter. Criteria: Invitae Variant Classification Sherloc (09022015). Collection method: clinical testing. Allele origin: germline.
Comment: In summary, the available evidence is currently insufficient to determine the role of this variant in disease. Therefore, it has been classified as a Variant of Uncertain Significance. This variant has not been reported in the literature in individuals affected with RAD51D-related conditions. This variant results in a copy number gain of the genomic region encompassing exon(s) 1-8 of the RAD51D gene. This region includes the initiator codon of the gene. This copy number gain extends beyond the assayed region for this gene and therefore may encompass additional genes. As the precise location of this event is unknown, it may be in tandem or it may be located elsewhere in the genome.

NC_000017.10:g.(?_33430263)_(33446632_?)dup

Gene: RAD51D (RAD51 paralog D; minus strand). Cytogenetic location: 17q12.
Variant type: Duplication.
Identifiers: ClinVar variation 1410701 (VCV001410701.5).